The following is an entry in ClinVar:

ClinVar aggregate classification (germline): Conflicting classifications of pathogenicity. Review status: criteria provided, conflicting classifications (1 of 4 stars). 5 submissions from 5 submitters: Uncertain significance (1); Benign (1); Likely benign (2). 1 of the submissions does not count toward it. Last evaluated 2025-12-16.

Conditions:
PACS1-related disorder. Also called: PACS1-related condition.
Schuurs-Hoeijmakers syndrome. Also called: PACS1-Related Neurodevelopmental Disorder. Identifiers: Orphanet 329224, MedGen C3554343, MONDO:0014006, OMIM 615009.

Allele frequency attached by ClinVar (database versions not stated): gnomAD 0.00006 and 0.00009; gnomAD exomes 0.00008 and 0.00029; TOPMed 0.00016; ExAC 0.00024; 1000 Genomes Project 30x 0.00047; 1000 Genomes Project 0.00060.

Submissions (5):

Labcorp Genetics (formerly Invitae), Labcorp
Classification: Likely benign for Schuurs-Hoeijmakers syndrome. Last evaluated: 2025-12-16. Review status: criteria provided, single submitter. Criteria: Invitae Variant Classification Sherloc (09022015). Collection method: clinical testing. Allele origin: germline.

Blueprint Genetics
Classification: Likely benign. Last evaluated: 2024-09-12. Review status: criteria provided, single submitter. Criteria: ACMG Guidelines, 2015. Collection method: clinical testing. Allele origin: germline.

Center for Genomics, Ann and Robert H. Lurie Children's Hospital of Chicago
Classification: Uncertain significance for Schuurs-Hoeijmakers syndrome. Last evaluated: 2021-06-16. Review status: criteria provided, single submitter. Criteria: ACMG Guidelines, 2015. Collection method: clinical testing. Allele origin: germline.
Comment: PACS1 NM_018026.3 exon 2 p.Val129Ile (c.385G>A): This variant has not been reported in the literature but is present in 0.002% (2/68022) of European alleles in the Genome Aggregation Database. This variant is present in ClinVar (Variation ID:772455). This variant amino acid Isoleucine (Ile) is present in >20 species including mammals and is not well conserved among evolutionarily distant species; this suggests that this variant may not impact the protein. Additional computational prediction tools do not suggest an impact. In summary, data on this variant is insufficient for disease classification. Therefore, the clinical significance of this variant is uncertain.

GeneDx
Classification: Benign. Last evaluated: 2019-12-19. Review status: criteria provided, single submitter. Criteria: GeneDx Variant Classification Process June 2021. Collection method: clinical testing. Allele origin: germline. Affected: yes.

PreventionGenetics, part of Exact Sciences
Classification: Likely benign for PACS1-related condition. Last evaluated: 2020-02-21. Review status: no assertion criteria provided. Collection method: clinical testing. Allele origin: germline. Not counted in ClinVar's aggregate classification.
Comment: This variant is classified as likely benign based on ACMG/AMP sequence variant interpretation guidelines (Richards et al. 2015 PMID: 25741868, with internal and published modifications).

NM_018026.4(PACS1):c.385G>A (p.Val129Ile)

Gene: PACS1 (phosphofurin acidic cluster sorting protein 1; plus strand). Cytogenetic location: 11q13.2.
Variant type: single nucleotide variant.
Coding change: c.385G>A on transcript NM_018026.4 (MANE Select); coding-DNA position 385, G replaced by A.
Protein change: p.Val129Ile; replaces valine 129 with isoleucine.
Molecular consequence: missense variant.
Genome position (GRCh38, 1-based): chr11:66,193,514, G>A. VCF-style: chr11-66193514-G-A. GRCh37 (hg19) VCF-style: chr11-65960985-G-A.
Other names: short protein forms V129I.
Identifiers: ClinVar variation 772455 (VCV000772455.16), dbSNP rs115491121, ClinGen allele CA6116231.